The following is an entry in ClinVar:

NM_002282.3(KRT83):c.984C>T (p.Asn328=)

Gene: KRT83 (keratin 83; minus strand). Cytogenetic location: 12q13.13.
Variant type: single nucleotide variant.
Coding change: c.984C>T on transcript NM_002282.3 (MANE Select); coding-DNA position 984, C replaced by T.
Protein change: p.Asn328=; no amino-acid change (asparagine 328 retained).
Molecular consequence: synonymous variant.
Genome position (GRCh38, 1-based): chr12:52,316,525, G>A on the plus strand (C>T on the coding strand, the complement: KRT83 is on the minus strand). VCF-style: chr12-52316525-G-A. GRCh37 (hg19) VCF-style: chr12-52710309-G-A.
Identifiers: ClinVar variation 309511 (VCV000309511.15), dbSNP rs2257286, ClinGen allele CA6577440.

ClinVar aggregate classification (germline): Benign. Review status: criteria provided, multiple submitters, no conflicts (2 of 4 stars). 4 submissions from 4 submitters: Benign (4). Last evaluated 2026-02-04.

Conditions:
Monilethrix. Also called: Beaded hair. Identifiers: Orphanet 573, MedGen C0546966, MONDO:0008009, HP:0032470.

Allele frequency attached by ClinVar (database versions not stated): gnomAD 0.41938 and 0.41477; ESP Exome Variant Server 0.43724; gnomAD exomes 0.37495 and 0.40891; 1000 Genomes Project 0.37580; ExAC 0.38280; 1000 Genomes Project 30x 0.38367; TOPMed 0.41570.
gnomAD v4.1: 660,583 of 1,613,642 alleles (41%); highest among the groups gnomAD compares: African/African-American, 49%; 137,794 homozygotes.

Submissions (4):

Labcorp Genetics (formerly Invitae), Labcorp
Classification: Benign. Last evaluated: 2026-02-04. Review status: criteria provided, single submitter. Criteria: Invitae Variant Classification Sherloc (09022015). Collection method: clinical testing. Allele origin: germline.

GeneDx
Classification: Benign. Last evaluated: 2018-11-12. Review status: criteria provided, single submitter. Criteria: GeneDx Variant Classification Process June 2021. Collection method: clinical testing. Allele origin: germline. Affected: yes.

Illumina Laboratory Services, Illumina
Classification: Benign for Monilethrix-1. Last evaluated: 2018-01-12. Review status: criteria provided, single submitter. Criteria: ICSL Variant Classification Criteria 13 December 2019. Collection method: clinical testing. Allele origin: germline.
Comment: This variant was observed in the ICSL laboratory as part of a predisposition screen in an ostensibly healthy population. It had not been previously curated by ICSL or reported in the Human Gene Mutation Database (HGMD: prior to June 1st, 2018), and was therefore a candidate for classification through an automated scoring system. Utilizing variant allele frequency, disease prevalence and penetrance estimates, and inheritance mode, an automated score was calculated to assess if this variant is too frequent to cause the disease. Based on the score and internal cut-off values, a variant classified as benign is not then subjected to further curation. The score for this variant resulted in a classification of benign for this disease.

Breakthrough Genomics
Classification: Benign. Review status: criteria provided, single submitter. Criteria: ACMG Guidelines, 2015. Collection method: not provided. Allele origin: germline. Inheritance: Autosomal recessive inheritance. Affected: yes.